The following is an entry in ClinVar:

ClinVar aggregate classification (germline): Likely benign. Review status: criteria provided, multiple submitters, no conflicts (2 of 4 stars). 2 submissions from 2 submitters: Likely benign (2). Last evaluated 2026-08-01.

Allele frequency attached by ClinVar (database versions not stated): gnomAD 0.00005; TOPMed 0.00005; ExAC 0.00007.
gnomAD v4.1: 91 of 1,601,228 alleles (0.0057%); highest among the groups gnomAD compares: Middle Eastern, 0.05%; no homozygotes.

Submissions (2):

CeGaT Center for Human Genetics Tuebingen
Classification: Likely benign. Last evaluated: 2026-08-01. Review status: criteria provided, single submitter. Criteria: CeGaT Center For Human Genetics Tuebingen Variant Classification Criteria Version 2. Collection method: clinical testing. Allele origin: germline. Affected: yes. Observed: 1 variant allele.
Comment: HNRNPK: BP4, BP7

Labcorp Genetics (formerly Invitae), Labcorp
Classification: Likely benign. Last evaluated: 2025-07-22. Review status: criteria provided, single submitter. Criteria: Invitae Variant Classification Sherloc (09022015). Collection method: clinical testing. Allele origin: germline.

NM_031263.4(HNRNPK):c.882C>T (p.Pro294=)

Gene: HNRNPK (heterogeneous nuclear ribonucleoprotein K; minus strand). Cytogenetic location: 9q21.32.
Variant type: single nucleotide variant.
Coding change: c.882C>T on transcript NM_031263.4 (MANE Select); coding-DNA position 882, C replaced by T.
Protein change: p.Pro294=; no amino-acid change (proline 294 retained).
Molecular consequence: synonymous variant.
Genome position (GRCh38, 1-based): chr9:83,971,953, G>A on the plus strand (C>T on the coding strand, the complement: HNRNPK is on the minus strand). VCF-style: chr9-83971953-G-A. GRCh37 (hg19) VCF-style: chr9-86586868-G-A.
Other names: c.810C>T, p.Pro270= (NM_001318186.2, NM_001318187.2); c.882C>T, p.Pro294= (NM_001318188.2, NM_002140.5, NM_031262.4).
Identifiers: ClinVar variation 1981711 (VCV001981711.5), dbSNP rs967239711, ClinGen allele CA5104066.